The following is an entry in ClinVar:

NM_004360.5(CDH1):c.1566-8C>G

Gene: CDH1 (cadherin 1; plus strand). Cytogenetic location: 16q22.1.
Variant type: single nucleotide variant.
Coding change: c.1566-8C>G on transcript NM_004360.5 (MANE Select); 8 bases into the intron before coding-DNA position 1566, C replaced by G.
Molecular consequence: intron variant.
Genome position (GRCh38, 1-based): chr16:68,819,272, C>G. VCF-style: chr16-68819272-C-G. GRCh37 (hg19) VCF-style: chr16-68853175-C-G.
Other names: IVS10-8C>G; c.1566-8C>G (LRG_301t1); c.18-8C>G (NM_001317185.2); c.-254-2729C>G (NM_001317186.2); c.1383-8C>G (NM_001317184.2).
Identifiers: ClinVar variation 127916 (VCV000127916.22), dbSNP rs587780114, ClinGen allele CA288041.

ClinVar aggregate classification (germline): Conflicting classifications of pathogenicity. Review status: criteria provided, conflicting classifications (1 of 4 stars). 5 submissions from 5 submitters: Uncertain significance (3); Likely benign (2). Last evaluated 2025-10-26.

Conditions:
Hereditary cancer-predisposing syndrome. Also called: Tumor predisposition; Hereditary Cancer Syndrome; Neoplastic Syndromes, Hereditary; Hereditary neoplastic syndrome. Identifiers: Orphanet 140162, MedGen C0027672, MeSH D009386, MONDO:0015356.
Hereditary diffuse gastric adenocarcinoma (HDGC). Also called: DIFFUSE GASTRIC AND LOBULAR BREAST CANCER SYNDROME. Identifiers: Orphanet 26106, MedGen C1708349, MONDO:0007648, OMIM 137215.

Allele frequency attached by ClinVar (database versions not stated): gnomAD exomes below 0.00001; TOPMed 0.00001.
gnomAD v4.1: 6 of 1,614,214 alleles (0.00037%); highest among the groups gnomAD compares: Non-Finnish European, 0.00051%; no homozygotes.

Submissions (5):

Labcorp Genetics (formerly Invitae), Labcorp
Classification: Likely benign for Hereditary diffuse gastric adenocarcinoma. Last evaluated: 2025-10-26. Review status: criteria provided, single submitter. Criteria: Invitae Variant Classification Sherloc (09022015). Collection method: clinical testing. Allele origin: germline.

Women's Health and Genetics/Laboratory Corporation of America, LabCorp
Classification: Likely benign. Last evaluated: 2025-04-21. Review status: criteria provided, single submitter. Criteria: LabCorp Variant Classification Summary - May 2015. Collection method: clinical testing. Allele origin: germline.

GeneDx
Classification: Uncertain significance. Last evaluated: 2023-08-09. Review status: criteria provided, single submitter. Criteria: GeneDx Variant Classification Process June 2021. Collection method: clinical testing. Allele origin: germline. Affected: yes.
Comment: Not observed at significant frequency in large population cohorts (gnomAD); Has not been previously published as pathogenic or benign to our knowledge; In silico analysis suggests this variant may impact gene splicing. In the absence of RNA/functional studies, the actual effect of this sequence change is unknown.

St. Jude Molecular Pathology, St. Jude Children's Research Hospital
Classification: Uncertain significance for Hereditary diffuse gastric adenocarcinoma. Last evaluated: 2021-08-05. Review status: criteria provided, single submitter. Criteria: St. Jude Assertion Criteria 2020. Collection method: clinical testing. Allele origin: germline.
Comment: The CDH1 c.1566-8C>G intronic change results from a C to G substitution at the -8 position of intron 10 in the CDH1 gene. Algorithms that predict the impact of sequence changes on splicing indicate that this variant does not affect splicing (BP4), but to our knowledge these predictions have not been confirmed by RNA studies. This variant is absent in gnomAD v2.1.1 (PM2_supporting). To our knowledge, this variant has not been reported in individuals with hereditary diffuse gastric cancer. In summary, this variant meets criteria to be classified as of uncertain significance based on the ACMG/AMP criteria, as specified by the CDH1 Variant Curation Expert Panel (PMID: 30311375): PM2_supporting, BP4.

Sema4
Classification: Uncertain significance for Hereditary cancer-predisposing syndrome. Last evaluated: 2021-05-24. Review status: criteria provided, single submitter. Criteria: Sema4 Curation Guidelines. Collection method: curation. Allele origin: germline.
Comment: The CDH1 c.1566-8C>G variant has not been reported in the literature to our knowledge. This variant was not observed in the large and broad cohorts of the Genome Aggregation Database (PMID: 32461654). This variant has been reported in ClinVar (Variation ID: 127916). In silico tools suggest the impact of the variant on splicing is benign, though these predictions have not been confirmed by functional studies. The overall evidence is insufficient to meet ACMG/AMP criteria for classifying it as benign or pathogenic. In summary, the clinical significance of this variant is currently uncertain.